The following is an entry in ClinVar:

NM_014225.6(PPP2R1A):c.333C>T (p.Ser111=)

Gene: PPP2R1A (protein phosphatase 2 scaffold subunit Aalpha; plus strand). Cytogenetic location: 19q13.41.
Variant type: single nucleotide variant.
Coding change: c.333C>T on transcript NM_014225.6 (MANE Select); coding-DNA position 333, C replaced by T.
Protein change: p.Ser111=; no amino-acid change (serine 111 retained).
Molecular consequence: synonymous variant. On other transcripts: 5 prime UTR variant (1), non-coding transcript variant (1).
Genome position (GRCh38, 1-based): chr19:52,211,322, C>T. VCF-style: chr19-52211322-C-T. GRCh37 (hg19) VCF-style: chr19-52714575-C-T.
Other names: c.-205C>T (NM_001363656.2).
Identifiers: ClinVar variation 2650385 (VCV002650385.24), dbSNP rs868591683, ClinGen allele CA309865062.

ClinVar aggregate classification (germline): Likely benign (1 of 4 stars; one submission).

Allele frequency attached by ClinVar (database versions not stated): TOPMed below 0.00001.
gnomAD v4.1: 2 of 1,613,842 alleles (0.00012%); no homozygotes.

Submission:

CeGaT Center for Human Genetics Tuebingen
Classification: Likely benign. Last evaluated: 2023-05-01. Review status: criteria provided, single submitter. Criteria: CeGaT Center For Human Genetics Tuebingen Variant Classification Criteria Version 2. Collection method: clinical testing. Allele origin: germline. Affected: yes. Observed: 2 variant alleles.
Comment: PPP2R1A: PM2:Supporting, BP4, BP7